The following is an entry in ClinVar:

NM_001177316.2(SLC34A3):c.1093G>T (p.Asp365Tyr)

Gene: SLC34A3 (solute carrier family 34 member 3; plus strand). Cytogenetic location: 9q34.3.
Variant type: single nucleotide variant.
Coding change: c.1093G>T on transcript NM_001177316.2 (MANE Select); coding-DNA position 1093, G replaced by T.
Protein change: p.Asp365Tyr; replaces aspartic acid 365 with tyrosine.
Molecular consequence: missense variant.
Genome position (GRCh38, 1-based): chr9:137,234,276, G>T. VCF-style: chr9-137234276-G-T. GRCh37 (hg19) VCF-style: chr9-140128728-G-T.
Other names: c.1093G>T, p.Asp365Tyr (NM_001177317.2, NM_080877.3); short protein forms D365Y.
Identifiers: ClinVar variation 2177276 (VCV002177276.4), dbSNP rs182126379, ClinGen allele CA375736672.
Genomic context (GRCh38, chr9:137,234,276, plus strand): 5'-CTGCTCAACTCTGTGCTGCGCGGCCGCGTGGCCCAGGTCGTGAGGACAGTCATCAATGCG[G>T]GTGAGGGCGTGGGAGGAGGTGCGGTGGCCAGGGCTGACCCAGCATCCCCCATAGACTTCC-3'
Protein context (NP_001170787.2, residues 355-375): AQVVRTVINA[Asp365Tyr]FPFPLGWLGG

ClinVar aggregate classification (germline): Uncertain significance (1 of 4 stars; one submission).

gnomAD v4.1: 2 of 1,610,570 alleles (0.00012%); highest among the groups gnomAD compares: Admixed American, 0.0033%; no homozygotes.

Submission:

Labcorp Genetics (formerly Invitae), Labcorp
Classification: Uncertain significance. Last evaluated: 2022-05-09. Review status: criteria provided, single submitter. Criteria: Invitae Variant Classification Sherloc (09022015). Collection method: clinical testing. Allele origin: germline.
Comment: In summary, the available evidence is currently insufficient to determine the role of this variant in disease. Therefore, it has been classified as a Variant of Uncertain Significance. Variants that disrupt the consensus splice site are a relatively common cause of aberrant splicing (PMID: 17576681, 9536098). Algorithms developed to predict the effect of sequence changes on RNA splicing suggest that this variant may disrupt the consensus splice site. Algorithms developed to predict the effect of missense changes on protein structure and function (SIFT, PolyPhen-2, Align-GVGD) all suggest that this variant is likely to be disruptive. This variant has not been reported in the literature in individuals affected with SLC34A3-related conditions. This variant is present in population databases (no rsID available, gnomAD 0.006%). This sequence change replaces aspartic acid, which is acidic and polar, with tyrosine, which is neutral and polar, at codon 365 of the SLC34A3 protein (p.Asp365Tyr). This variant also falls at the last nucleotide of exon 10, which is part of the consensus splice site for this exon.

Literature cited by the submitters: PubMed 17576681; PubMed 9536098.